The following is an entry in ClinVar:

ClinVar aggregate classification (germline): Uncertain significance (1 of 4 stars; one submission).

Conditions:
Hereditary cancer-predisposing syndrome. Also called: Neoplastic Syndromes, Hereditary; Tumor predisposition; Hereditary Cancer Syndrome; Hereditary neoplastic syndrome. Identifiers: Orphanet 140162, MedGen C0027672, MeSH D009386, MONDO:0015356.

Submission:

Ambry Genetics
Classification: Uncertain significance for Hereditary cancer-predisposing syndrome. Last evaluated: 2025-07-03. Review status: criteria provided, single submitter. Criteria: Ambry Variant Classification Scheme 2023. Collection method: clinical testing. Allele origin: germline.
Comment: The c.3164_3166delCAT variant (also known as p.T1055_W1056delinsR) is located in coding exon 19 of the RET gene. This variant results from an in-frame CAT deletion at nucleotide positions 3164 to 3166. The threonine and tryptophan residues at codons 1055 and 1056 are replaced by arginine. These amino acid positions are highly conserved in available vertebrate species. In addition, this variant is predicted to be deleterious by in silico analysis (Choi Y et al. PLoS ONE. 2012; 7(10):e46688). Based on the available evidence, the clinical significance of this variant remains unclear.

NM_020975.6(RET):c.3164_3166del (p.Thr1055_Trp1056delinsArg)

Gene: RET (ret proto-oncogene; plus strand). Cytogenetic location: 10q11.21.
Variant type: Deletion.
Coding change: c.3164_3166del on transcript NM_020975.6 (MANE Select); coding-DNA positions 3164 to 3166, 3 bases deleted (CAT; older notation c.3164_3166delCAT).
Protein change: p.Thr1055_Trp1056delinsArg.
Molecular consequence: inframe indel. On other transcripts: intron variant (4).
Genome position (GRCh38, 1-based): chr10:43,126,699-43,126,701, CAT deleted. VCF-style (leftmost placement, unchanged base first): chr10-43126698-ACAT-A. GRCh37 (hg19) VCF-style: chr10-43622146-ACAT-A.
Other names: c.3035_3037del, p.Thr1012_Trp1013delinsArg (NM_001406761.1, NM_001406762.1, NM_001406764.1); c.3029_3031del, p.Thr1010_Trp1011delinsArg (NM_001406763.1, NM_001406765.1); c.2876_2878del, p.Thr959_Trp960delinsArg (NM_001406766.1, NM_001406767.1, NM_001406770.1); c.2900_2902del, p.Thr967_Trp968delinsArg (NM_001406768.1); c.2768_2770del, p.Thr923_Trp924delinsArg (NM_001406769.1, NM_001406772.1); c.2726_2728del, p.Thr909_Trp910delinsArg (NM_001406771.1, NM_001406773.1); c.2639_2641del, p.Thr880_Trp881delinsArg (NM_001406774.1); c.2438_2440del, p.Thr813_Trp814delinsArg (NM_001406775.1, NM_001406776.1, NM_001406778.1); and 13 more.
Identifiers: ClinVar variation 4152785 (VCV004152785.1).